The following is an entry in ClinVar:

ClinVar aggregate classification (germline): Likely benign. Review status: criteria provided, multiple submitters, no conflicts (2 of 4 stars). 2 submissions from 2 submitters: Likely benign (2). Last evaluated 2025-08-29.

Conditions:
Hypophosphatasia. Also called: Phosphoethanol-aminuria. Identifiers: Orphanet 436, MedGen C0020630, MeSH D007014, MONDO:0018570.

Submissions (2):

Genomenon, Inc
Classification: Likely benign for Hypophosphatasia. Last evaluated: 2025-08-29. Review status: criteria provided, single submitter. Criteria: Genomenon Sequence Variant Interpretation Standards. Collection method: curation. Allele origin: germline. Affected: no.
Comment: ALPL p.Thr366= (c.1098C>G) is a synonymous variant that retains Threonine at residue 366. This variant has been reported in the published literature (PMID:21956185). It is absent or not present at a significant frequency in gnomAD. This synonymous variant is not predicted to impact splicing. In conclusion, we classify ALPL p.Thr366= (c.1098C>G) as a likely benign variant.

Labcorp Genetics (formerly Invitae), Labcorp
Classification: Likely benign. Last evaluated: 2023-01-14. Review status: criteria provided, single submitter. Criteria: Invitae Variant Classification Sherloc (09022015). Collection method: clinical testing. Allele origin: germline.

Literature cited by the submitters: PubMed 21956185 (cited by Genomenon, Inc).

NM_000478.6(ALPL):c.1098C>G (p.Thr366=)

Gene: ALPL (alkaline phosphatase, biomineralization associated; plus strand). Cytogenetic location: 1p36.12.
Variant type: single nucleotide variant.
Coding change: c.1098C>G on transcript NM_000478.6 (MANE Select); coding-DNA position 1098, C replaced by G.
Protein change: p.Thr366=; no amino-acid change (threonine 366 retained).
Molecular consequence: synonymous variant.
Genome position (GRCh38, 1-based): chr1:21,575,833, C>G. VCF-style: chr1-21575833-C-G. GRCh37 (hg19) VCF-style: chr1-21902326-C-G.
Other names: c.933C>G, p.Thr311= (NM_001127501.4); c.867C>G, p.Thr289= (NM_001177520.3); c.1098C>G, p.Thr366= (NM_001369803.2, NM_001369804.2, NM_001369805.2).
Identifiers: ClinVar variation 1091162 (VCV001091162.10), dbSNP rs1400758804, ClinGen allele CA416533187.
Genomic context (GRCh38, chr1:21,575,833, plus strand): 5'-GCAGGCCCTGCATGAGGCGGTGGAGATGGACCGGGCCATCGGGCAGGCAGGCAGCTTGAC[C>G]TCCTCGGAAGACACTCTGACCGTGGTCACTGCGGACCATTCCCACGTCTTCACATTTGGT-3'
Protein context (NP_000469.3, residues 356-376): DRAIGQAGSL[Thr366=]SSEDTLTVVT